The following is an entry in ClinVar:

ClinVar aggregate classification (germline): Benign/Likely benign. Review status: criteria provided, multiple submitters, no conflicts (2 of 4 stars). 5 submissions from 4 submitters: Benign (4); Likely benign (1). Last evaluated 2025-04-22.

Conditions:
Holoprosencephaly sequence (HPE). Also called: Holoprosencephaly. Identifiers: Orphanet 2162, MedGen C0079541, MONDO:0016296, HP:0001360.
Heterotaxy, visceral, 5, autosomal (HTX5). Also called: Heterotaxy, visceral, 5. Identifiers: Orphanet 450, MedGen C3495537, MONDO:0700112, OMIM 270100.

Allele frequency attached by ClinVar (database versions not stated): 1000 Genomes Project 30x 0.00250; 1000 Genomes Project 0.00260; ESP Exome Variant Server 0.00015; gnomAD 0.00038 and 0.00062; TOPMed 0.00052; gnomAD exomes 0.00086 and 0.00111; ExAC 0.00138.

Submissions (5):

Labcorp Genetics (formerly Invitae), Labcorp
Classification: Benign for Heterotaxy, visceral, 5, autosomal. Last evaluated: 2025-04-22. Review status: criteria provided, single submitter. Criteria: Invitae Variant Classification Sherloc (09022015). Collection method: clinical testing. Allele origin: germline.

Blueprint Genetics
Classification: Likely benign. Last evaluated: 2024-11-26. Review status: criteria provided, single submitter. Criteria: ACMG Guidelines, 2015. Collection method: clinical testing. Allele origin: germline.

Illumina Laboratory Services, Illumina
Classification: Benign for Heterotaxy, visceral, 5, autosomal. Last evaluated: 2018-01-12. Review status: criteria provided, single submitter. Criteria: ICSL Variant Classification Criteria 13 December 2019. Collection method: clinical testing. Allele origin: germline.
Comment: This variant was observed in the ICSL laboratory as part of a predisposition screen in an ostensibly healthy population. It had not been previously curated by ICSL or reported in the Human Gene Mutation Database (HGMD: prior to June 1st, 2018), and was therefore a candidate for classification through an automated scoring system. Utilizing variant allele frequency, disease prevalence and penetrance estimates, and inheritance mode, an automated score was calculated to assess if this variant is too frequent to cause the disease. Based on the score and internal cut-off values, a variant classified as benign is not then subjected to further curation. The score for this variant resulted in a classification of benign for this disease.

Illumina Laboratory Services, Illumina
Classification: Benign for Holoprosencephaly sequence. Last evaluated: 2018-01-12. Review status: criteria provided, single submitter. Criteria: ICSL Variant Classification Criteria 13 December 2019. Collection method: clinical testing. Allele origin: germline.
Comment: the same text as in the submission from Illumina Laboratory Services, Illumina above.

Breakthrough Genomics
Classification: Benign. Review status: criteria provided, single submitter. Criteria: ACMG Guidelines, 2015. Collection method: not provided. Allele origin: germline. Inheritance: Autosomal dominant inheritance. Affected: yes.

NM_018055.5(NODAL):c.357C>T (p.Pro119=)

Gene: NODAL (nodal growth differentiation factor; minus strand). Cytogenetic location: 10q22.1.
Variant type: single nucleotide variant.
Coding change: c.357C>T on transcript NM_018055.5 (MANE Select); coding-DNA position 357, C replaced by T.
Protein change: p.Pro119=; no amino-acid change (proline 119 retained).
Molecular consequence: synonymous variant. On other transcripts: 5 prime UTR variant (1).
Genome position (GRCh38, 1-based): chr10:70,435,820, G>A on the plus strand (C>T on the coding strand, the complement: NODAL is on the minus strand). VCF-style: chr10-70435820-G-A. GRCh37 (hg19) VCF-style: chr10-72195576-G-A.
Other names: c.-43C>T (NM_001329906.2).
Identifiers: ClinVar variation 300305 (VCV000300305.16), dbSNP rs77151171, ClinGen allele CA5537615.